The following is an entry in ClinVar:

ClinVar aggregate classification (germline): Uncertain significance. Review status: criteria provided, multiple submitters, no conflicts (2 of 4 stars). 2 submissions from 2 submitters: Uncertain significance (2). Last evaluated 2022-04-21.

Conditions:
Inborn genetic diseases. Identifiers: MedGen C0950123, MeSH D030342.
Cowden syndrome 6 (CWS6). Identifiers: Orphanet 201, MedGen C3554519, MONDO:0014048, OMIM 615109.

Allele frequency attached by ClinVar (database versions not stated): gnomAD exomes below 0.00001; TOPMed below 0.00001; ExAC 0.00001.

Submissions (2):

Ambry Genetics
Classification: Uncertain significance for Inborn genetic diseases. Last evaluated: 2022-04-21. Review status: criteria provided, single submitter. Criteria: Ambry Variant Classification Scheme 2023. Collection method: clinical testing. Allele origin: germline.
Comment: The p.S240C variant (also known as c.719C>G), located in coding exon 8 of the AKT1 gene, results from a C to G substitution at nucleotide position 719. The serine at codon 240 is replaced by cysteine, an amino acid with dissimilar properties. This amino acid position is conserved. In addition, the in silico prediction for this alteration is inconclusive. Since supporting evidence is limited at this time, the clinical significance of this alteration remains unclear.

Labcorp Genetics (formerly Invitae), Labcorp
Classification: Uncertain significance for Cowden syndrome 6. Last evaluated: 2020-03-24. Review status: criteria provided, single submitter. Criteria: Invitae Variant Classification Sherloc (09022015). Collection method: clinical testing. Allele origin: germline.
Comment: In summary, the available evidence is currently insufficient to determine the role of this variant in disease. Therefore, it has been classified as a Variant of Uncertain Significance. Algorithms developed to predict the effect of missense changes on protein structure and function (SIFT, PolyPhen-2, Align-GVGD) all suggest that this variant is likely to be disruptive, but these predictions have not been confirmed by published functional studies and their clinical significance is uncertain. This variant has not been reported in the literature in individuals with AKT1-related conditions. This variant is present in population databases (rs773520823, ExAC 0.002%). This sequence change replaces serine with cysteine at codon 240 of the AKT1 protein (p.Ser240Cys). The serine residue is highly conserved and there is a moderate physicochemical difference between serine and cysteine.

NM_001382430.1(AKT1):c.719C>G (p.Ser240Cys)

Gene: AKT1 (AKT serine/threonine kinase 1; minus strand). Cytogenetic location: 14q32.33.
Variant type: single nucleotide variant.
Coding change: c.719C>G on transcript NM_001382430.1 (MANE Select); coding-DNA position 719, C replaced by G.
Protein change: p.Ser240Cys; replaces serine 240 with cysteine.
Molecular consequence: missense variant.
Genome position (GRCh38, 1-based): chr14:104,773,564, G>C on the plus strand (C>G on the coding strand, the complement: AKT1 is on the minus strand). VCF-style: chr14-104773564-G-C. GRCh37 (hg19) VCF-style: chr14-105239901-G-C.
Other names: c.719C>G, p.Ser240Cys (NM_001014431.2, NM_001014432.2, NM_001382431.1 and 3 more transcripts); short protein forms S240C.
Identifiers: ClinVar variation 1037529 (VCV001037529.10), dbSNP rs773520823, ClinGen allele CA7374657.